The following is an entry in ClinVar:

NM_000601.6(HGF):c.860C>T (p.Thr287Ile)

Gene: HGF (hepatocyte growth factor; minus strand). Cytogenetic location: 7q21.11.
Variant type: single nucleotide variant.
Coding change: c.860C>T on transcript NM_000601.6 (MANE Select); coding-DNA position 860, C replaced by T.
Protein change: p.Thr287Ile; replaces threonine 287 with isoleucine.
Molecular consequence: missense variant.
Genome position (GRCh38, 1-based): chr7:81,743,358, G>A on the plus strand (C>T on the coding strand, the complement: HGF is on the minus strand). VCF-style: chr7-81743358-G-A. GRCh37 (hg19) VCF-style: chr7-81372674-G-A.
Other names: c.860C>T, p.Thr287Ile (NM_001010931.3); c.845C>T, p.Thr282Ile (NM_001010932.3, NM_001010933.3); short protein forms T282I, T287I.
Identifiers: ClinVar variation 3341035 (VCV003341035.2).

ClinVar aggregate classification (germline): Uncertain significance (1 of 4 stars; one submission).

gnomAD v4.1: 15 of 1,588,888 alleles (0.00094%); highest among the groups gnomAD compares: South Asian, 0.014%; no homozygotes.

Submission:

GeneDx
Classification: Uncertain significance. Last evaluated: 2024-10-21. Review status: criteria provided, single submitter. Criteria: GeneDx Variant Classification Process June 2021. Collection method: clinical testing. Allele origin: germline.
Comment: In silico analysis supports that this missense variant does not alter protein structure/function; Has not been previously published as pathogenic or benign to our knowledge